The following is an entry in ClinVar:

ClinVar aggregate classification (germline): Benign. Review status: criteria provided, multiple submitters, no conflicts (2 of 4 stars). 2 submissions from 2 submitters: Benign (2). Last evaluated 2018-06-14.

Allele frequency attached by ClinVar (database versions not stated): 1000 Genomes Project 0.33347; 1000 Genomes Project 30x 0.33463; TOPMed 0.34330.
gnomAD v4.1: 128,669 of 358,096 alleles (36%); highest among the groups gnomAD compares: South Asian, 45%; 23,887 homozygotes.

Submissions (2):

GeneDx
Classification: Benign. Last evaluated: 2018-06-14. Review status: criteria provided, single submitter. Criteria: GeneDx Variant Classification (06012015). Collection method: clinical testing. Allele origin: germline. Affected: yes.
Comment: This variant is considered likely benign or benign based on one or more of the following criteria: it is a conservative change, it occurs at a poorly conserved position in the protein, it is predicted to be benign by multiple in silico algorithms, and/or has population frequency not consistent with disease.

Breakthrough Genomics
Classification: Benign. Review status: criteria provided, single submitter. Criteria: ACMG Guidelines, 2015. Collection method: not provided. Allele origin: germline. Inheritance: Autosomal recessive inheritance. Affected: yes.

NM_017739.4(POMGNT1):c.1539+319G>T

Genes: POMGNT1 (protein O-linked mannose N-acetylglucosaminyltransferase 1 (beta 1,2-); minus strand), TSPAN1 (tetraspanin 1; plus strand). Cytogenetic location: 1p34.1.
Variant type: single nucleotide variant.
Coding change: c.1539+319G>T on transcript NM_017739.4 (MANE Select); 319 bases into the intron after coding-DNA position 1539, G replaced by T.
Molecular consequence: intron variant.
Genome position (GRCh38, 1-based): chr1:46,191,779, C>A on the plus strand (G>T on the coding strand, the complement: POMGNT1 is on the minus strand). VCF-style: chr1-46191779-C-A. GRCh37 (hg19) VCF-style: chr1-46657451-C-A.
Other names: c.1539+319G>T (NM_001243766.2, NM_001438686.1, NM_001438688.1 and 3 more transcripts); c.1473+319G>T (NM_001290129.3, NM_001438691.1, NM_001438692.1); c.1110+319G>T (NM_001290130.2).
Identifiers: ClinVar variation 680716 (VCV000680716.2), dbSNP rs7552589, ClinGen allele CA10670800.